The following is an entry in ClinVar:

NM_021614.4(KCNN2):c.1203C>T (p.His401=)

Gene: KCNN2 (potassium calcium-activated channel subfamily N member 2; plus strand). Cytogenetic location: 5q22.3.
Variant type: single nucleotide variant.
Coding change: c.1203C>T on transcript NM_021614.4 (MANE Select); coding-DNA position 1203, C replaced by T.
Protein change: p.His401=; no amino-acid change (histidine 401 retained).
Molecular consequence: synonymous variant. On other transcripts: non-coding transcript variant (1).
Genome position (GRCh38, 1-based): chr5:114,363,986, C>T. VCF-style: chr5-114363986-C-T. GRCh37 (hg19) VCF-style: chr5-113699683-C-T.
Other names: c.1401C>T, p.His467= (NM_001372233.1).
Identifiers: ClinVar variation 2655647 (VCV002655647.24), dbSNP rs144098012, ClinGen allele CA3372902.
Genomic context (GRCh38, chr5:114,363,986, plus strand): 5'-TCTGAAATGCCTTATCAGTCTCTCCACGATCATCCTGCTCGGTCTGATCATCGTGTACCA[C>T]GCCAGGGAAATACAGGTAACTTAGGTCCTGCTGTTTATGAATGACCCAAAGCCCTACAGT-3'
Protein context (NP_067627.3, residues 391-411): IILLGLIIVY[His401=]AREIQLFMVD

ClinVar aggregate classification (germline): Likely benign (1 of 4 stars; one submission).

Allele frequency attached by ClinVar (database versions not stated): ExAC 0.00044; TOPMed 0.00058; gnomAD 0.00061; ESP Exome Variant Server 0.00108.
gnomAD v4.1: 1,497 of 1,613,372 alleles (0.093%); highest among the groups gnomAD compares: Non-Finnish European, 0.12%; 3 homozygotes.

Submission:

CeGaT Center for Human Genetics Tuebingen
Classification: Likely benign. Last evaluated: 2026-05-01. Review status: criteria provided, single submitter. Criteria: CeGaT Center For Human Genetics Tuebingen Variant Classification Criteria Version 2. Collection method: clinical testing. Allele origin: germline. Affected: yes. Observed: 4 variant alleles.
Comment: KCNN2: BP4, BS1